The following is an entry in ClinVar:

ClinVar aggregate classification (germline): Uncertain significance (1 of 4 stars; one submission).

Conditions:
Developmental and epileptic encephalopathy, 53. Also called: Epileptic encephalopathy, early infantile, 53. Identifiers: MedGen C4479313, MONDO:0033362, OMIM 617389.
Early-onset Parkinson disease 20. Also called: PARKINSON DISEASE 20, AUTOSOMAL RECESSIVE EARLY-ONSET. Identifiers: Orphanet 391411, MedGen C3809824, MONDO:0014233, OMIM 615530.

Allele frequency attached by ClinVar (database versions not stated): gnomAD 0.00001; gnomAD exomes 0.00001; TOPMed 0.00001; ExAC 0.00001; ESP Exome Variant Server 0.00008.
gnomAD v4.1: 17 of 1,609,618 alleles (0.0011%); highest among the groups gnomAD compares: Admixed American, 0.0017%; no homozygotes.

Submission:

Labcorp Genetics (formerly Invitae), Labcorp
Classification: Uncertain significance for Developmental and epileptic encephalopathy, 53; Early-onset Parkinson disease 20. Last evaluated: 2022-05-04. Review status: criteria provided, single submitter. Criteria: Invitae Variant Classification Sherloc (09022015). Collection method: clinical testing. Allele origin: germline.
Comment: This sequence change replaces lysine, which is basic and polar, with asparagine, which is neutral and polar, at codon 557 of the SYNJ1 protein (p.Lys557Asn). This variant is present in population databases (rs371301276, gnomAD 0.003%). This variant has not been reported in the literature in individuals affected with SYNJ1-related conditions. ClinVar contains an entry for this variant (Variation ID: 664236). Algorithms developed to predict the effect of missense changes on protein structure and function are either unavailable or do not agree on the potential impact of this missense change (SIFT: "Tolerated"; PolyPhen-2: "Possibly Damaging"; Align-GVGD: "Class C0"). In summary, the available evidence is currently insufficient to determine the role of this variant in disease. Therefore, it has been classified as a Variant of Uncertain Significance.

NM_203446.3(SYNJ1):c.1554G>C (p.Lys518Asn)

Gene: SYNJ1 (synaptojanin 1; minus strand). Cytogenetic location: 21q22.11.
Variant type: single nucleotide variant.
Coding change: c.1554G>C on transcript NM_203446.3 (MANE Select); coding-DNA position 1554, G replaced by C.
Protein change: p.Lys518Asn; replaces lysine 518 with asparagine.
Molecular consequence: missense variant.
Genome position (GRCh38, 1-based): chr21:32,673,512, C>G on the plus strand (G>C on the coding strand, the complement: SYNJ1 is on the minus strand). VCF-style: chr21-32673512-C-G. GRCh37 (hg19) VCF-style: chr21-34045822-C-G.
Other names: c.1554G>C, p.Lys518Asn (NM_001160302.2); c.1539G>C, p.Lys513Asn (NM_001160306.2); c.1671G>C, p.Lys557Asn (NM_003895.4); short protein forms K557N, K513N, K518N.
Identifiers: ClinVar variation 664236 (VCV000664236.8), dbSNP rs371301276, ClinGen allele CA10003846.